The following is an entry in ClinVar:

ClinVar aggregate classification (germline): Benign (1 of 4 stars; one submission).

Allele frequency attached by ClinVar (database versions not stated): 1000 Genomes Project 0.51637; gnomAD 0.48488; TOPMed 0.50651; 1000 Genomes Project 30x 0.52155.
gnomAD v4.1: 74,417 of 151,984 alleles (49%); highest among the groups gnomAD compares: African/African-American, 70%; 19,577 homozygotes.

Submission:

GeneDx
Classification: Benign. Last evaluated: 2018-06-14. Review status: criteria provided, single submitter. Criteria: GeneDx Variant Classification (06012015). Collection method: clinical testing. Allele origin: germline. Affected: yes.
Comment: This variant is considered likely benign or benign based on one or more of the following criteria: it is a conservative change, it occurs at a poorly conserved position in the protein, it is predicted to be benign by multiple in silico algorithms, and/or has population frequency not consistent with disease.

NM_003201.3(TFAM):c.101+189G>C

Gene: TFAM (transcription factor A, mitochondrial; plus strand). Cytogenetic location: 10q21.1.
Variant type: single nucleotide variant.
Coding change: c.101+189G>C on transcript NM_003201.3 (MANE Select); 189 bases into the intron after coding-DNA position 101, G replaced by C.
Molecular consequence: intron variant.
Genome position (GRCh38, 1-based): chr10:58,385,837, G>C. VCF-style: chr10-58385837-G-C. GRCh37 (hg19) VCF-style: chr10-60145597-G-C.
Other names: c.101+189G>C (NM_001270782.2).
Identifiers: ClinVar variation 684179 (VCV000684179.1), dbSNP rs4397793, ClinGen allele CA13156049.